The following is an entry in ClinVar:

NM_001197104.2(KMT2A):c.9373T>C (p.Leu3125=)

Gene: KMT2A (lysine methyltransferase 2A; plus strand). Cytogenetic location: 11q23.3.
Variant type: single nucleotide variant.
Coding change: c.9373T>C on transcript NM_001197104.2 (MANE Select); coding-DNA position 9373, T replaced by C.
Protein change: p.Leu3125=; no amino-acid change (leucine 3125 retained).
Molecular consequence: synonymous variant.
Genome position (GRCh38, 1-based): chr11:118,505,265, T>C. VCF-style: chr11-118505265-T-C. GRCh37 (hg19) VCF-style: chr11-118375980-T-C.
Other names: c.9364T>C, p.Leu3122= (NM_005933.4).
Identifiers: ClinVar variation 722263 (VCV000722263.13), dbSNP rs146069428, ClinGen allele CA6304582.

ClinVar aggregate classification (germline): Likely benign. Review status: criteria provided, multiple submitters, no conflicts (2 of 4 stars). 3 submissions from 3 submitters: Likely benign (3). Last evaluated 2026-09-01.

Allele frequency attached by ClinVar (database versions not stated): gnomAD 0.00004 and 0.00005; ESP Exome Variant Server 0.00008; TOPMed 0.00009; 1000 Genomes Project 0.00020; 1000 Genomes Project 30x 0.00031.
gnomAD v4.1: 70 of 1,614,220 alleles (0.0043%); highest among the groups gnomAD compares: Admixed American, 0.045%; no homozygotes.

Submissions (3):

CeGaT Center for Human Genetics Tuebingen
Classification: Likely benign. Last evaluated: 2026-09-01. Review status: criteria provided, single submitter. Criteria: CeGaT Center For Human Genetics Tuebingen Variant Classification Criteria Version 2. Collection method: clinical testing. Allele origin: germline. Affected: yes. Observed: 1 variant allele.
Comment: KMT2A: BP4, BP7

Labcorp Genetics (formerly Invitae), Labcorp
Classification: Likely benign. Last evaluated: 2026-01-06. Review status: criteria provided, single submitter. Criteria: Invitae Variant Classification Sherloc (09022015). Collection method: clinical testing. Allele origin: germline.

GeneDx
Classification: Likely benign. Last evaluated: 2021-11-02. Review status: criteria provided, single submitter. Criteria: GeneDx Variant Classification Process June 2021. Collection method: clinical testing. Allele origin: germline. Affected: yes.